The following is an entry in ClinVar:

ClinVar aggregate classification (germline): Uncertain significance (1 of 4 stars; one submission).

Submission:

Laboratorio de Genetica e Diagnostico Molecular, Hospital Israelita Albert Einstein
Classification: Uncertain significance. Last evaluated: 2019-07-25. Review status: criteria provided, single submitter. Criteria: ACMG Guidelines, 2015. Collection method: clinical testing. Allele origin: germline. Affected: yes.
Comment: ACMG classification criteria: PM2

NM_004444.5(EPHB4):c.248_250dup (p.Ala83dup)

Gene: EPHB4 (EPH receptor B4; minus strand). Cytogenetic location: 7q22.1.
Variant type: Duplication.
Coding change: c.248_250dup on transcript NM_004444.5 (MANE Select); coding-DNA positions 248 to 250, 3 bases duplicated (CCG; older notation c.248_250dupCCG).
Protein change: p.Ala83dup; duplicates alanine 83.
Molecular consequence: inframe insertion.
Genome position (GRCh38, 1-based): chr7:100,823,805-100,823,807, CGG duplicated on the plus strand (CCG on the coding strand, the reverse complement: EPHB4 is on the minus strand); duplicating any 3 consecutive bases within chr7:100,823,805-100,823,809 gives the same sequence; the c. name uses the placement nearest the transcript's 3' end. VCF-style (leftmost placement, unchanged base first): chr7-100823804-A-ACGG. GRCh37 (hg19) VCF-style: chr7-100421426-A-ACGG.
Other names: c.250_251insCCG (NM_004444.5).
Identifiers: ClinVar variation 1690666 (VCV001690666.2), dbSNP rs1813303324, ClinGen allele CA1729512730.